The following is an entry in ClinVar:

ClinVar aggregate classification (germline): Pathogenic/Likely pathogenic. Review status: criteria provided, multiple submitters, no conflicts (2 of 4 stars). 6 submissions from 6 submitters: Pathogenic (5); Likely pathogenic (1). Last evaluated 2026-01-23.

Conditions:
Hereditary cancer-predisposing syndrome. Also called: Neoplastic Syndromes, Hereditary; Hereditary neoplastic syndrome; Hereditary Cancer Syndrome; Tumor predisposition. Identifiers: Orphanet 140162, MedGen C0027672, MeSH D009386, MONDO:0015356.
Bloom syndrome (BLM). Also called: Bloom-Torre-Machacek syndrome. Identifiers: Orphanet 125, MedGen C0005859, MONDO:0008876, OMIM 210900.

Allele frequency attached by ClinVar (database versions not stated): gnomAD exomes below 0.00001; TOPMed 0.00001.

Submissions (6):

Otogenetics
Classification: Pathogenic for Bloom syndrome. Last evaluated: 2026-01-23. Review status: criteria provided, single submitter. Criteria: ACMG Guidelines, 2015. Collection method: clinical testing. Allele origin: germline.
Comment: PVS1: Stop gain variant introduces premature stop codon in gene with loss of function as mechanism of disease, predicted to undergo NMD; PM2: Maximum gnomAD MAF of 0.001% in South Asian (SAS) subpopulation (<0.05% threshold); PM3_Supporting: Variant reported in trans with another pathogenic variant in one individual affected with Bloom syndrome (PMID: 17407155)

Labcorp Genetics (formerly Invitae), Labcorp
Classification: Pathogenic for Bloom syndrome. Last evaluated: 2025-07-07. Review status: criteria provided, single submitter. Criteria: Invitae Variant Classification Sherloc (09022015). Collection method: clinical testing. Allele origin: germline.
Comment: This sequence change creates a premature translational stop signal (p.Trp567*) in the BLM gene. It is expected to result in an absent or disrupted protein product. Loss-of-function variants in BLM are known to be pathogenic (PMID: 17407155). This variant is not present in population databases (gnomAD no frequency). This premature translational stop signal has been observed in individual(s) with Bloom syndrome (PMID: 17407155). ClinVar contains an entry for this variant (Variation ID: 819865). For these reasons, this variant has been classified as Pathogenic.

GeneDx
Classification: Pathogenic. Last evaluated: 2024-01-04. Review status: criteria provided, single submitter. Criteria: GeneDx Variant Classification Process June 2021. Collection method: clinical testing. Allele origin: germline. Affected: yes.
Comment: Nonsense variant predicted to result in protein truncation or nonsense mediated decay in a gene for which loss of function is a known mechanism of disease; Not observed at significant frequency in large population cohorts (gnomAD); Observed in an individual with Bloom syndrome who harbored a second truncating variant in the BLM gene; however, it is unknown whether the variants were on the same or opposite chromosomes (in cis or trans) (PMID: 17407155); This variant is associated with the following publications: (PMID: 25525159, 26247052, 35448200, 17407155)

Baylor Genetics
Classification: Pathogenic for Bloom syndrome. Last evaluated: 2023-03-16. Review status: criteria provided, single submitter. Criteria: ACMG Guidelines, 2015. Collection method: clinical testing. Allele origin: unknown.

Ambry Genetics
Classification: Pathogenic for Hereditary cancer-predisposing syndrome. Last evaluated: 2022-05-10. Review status: criteria provided, single submitter. Criteria: Ambry Variant Classification Scheme 2023. Collection method: clinical testing. Allele origin: germline.
Comment: The p.W567* pathogenic mutation (also known as c.1701G>A), located in coding exon 6 of the BLM gene, results from a G to A substitution at nucleotide position 1701. This changes the amino acid from a tryptophan to a stop codon within coding exon 6. This alteration has been previously identified in an individual with Bloom syndrome in conjunction with another truncating alteration (p.R364*); phase (cis or trans) of the two alterations was not determined (German J et al. Hum. Mutat., 2007 Aug;28:743-53). This variant is considered to be rare based on population cohorts in the Genome Aggregation Database (gnomAD). This alteration is expected to result in loss of function by premature protein truncation or nonsense-mediated mRNA decay. As such, this alteration is interpreted as a disease-causing mutation.

Women's Health and Genetics/Laboratory Corporation of America, LabCorp
Classification: Likely pathogenic for Bloom syndrome. Last evaluated: 2021-10-20. Review status: criteria provided, single submitter. Criteria: LabCorp Variant Classification Summary - May 2015. Collection method: clinical testing. Allele origin: germline.
Comment: Variant summary: BLM c.1701G>A (p.Trp567X) results in a premature termination codon, predicted to cause a truncation of the encoded protein or absence of the protein due to nonsense mediated decay, which are commonly known mechanisms for disease. Truncations downstream of this position have been classified as pathogenic by our laboratory. The variant was absent in 216282 control chromosomes. c.1701G>A has been reported in the literature in a compound heterozygote individual affected with Bloom Syndrome (German_2007). To our knowledge, no experimental evidence demonstrating an impact on protein function has been reported. One clinical diagnostic laboratory has submitted clinical-significance assessments for this variant to ClinVar after 2014 without evidence for independent evaluation and classified the variant as pathogenic. Based on the evidence outlined above, the variant was classified as likely pathogenic.

Literature cited by the submitters: PubMed 17407155 (cited by 4 submitters).

NM_000057.4(BLM):c.1701G>A (p.Trp567Ter)

Gene: BLM (BLM RecQ like helicase; plus strand). Cytogenetic location: 15q26.1.
Variant type: single nucleotide variant.
Coding change: c.1701G>A on transcript NM_000057.4 (MANE Select); coding-DNA position 1701, G replaced by A.
Protein change: p.Trp567Ter; replaces tryptophan 567 with a stop codon.
Molecular consequence: nonsense.
Genome position (GRCh38, 1-based): chr15:90,761,074, G>A. VCF-style: chr15-90761074-G-A. GRCh37 (hg19) VCF-style: chr15-91304304-G-A.
Other names: c.1701G>A, p.Trp567Ter (NM_001287246.2, NM_001287247.2); c.576G>A, p.Trp192Ter (NM_001287248.2); short protein forms W192*, W567*.
Identifiers: ClinVar variation 819865 (VCV000819865.15), dbSNP rs1356090839, ClinGen allele CA393843655.
Genomic context (GRCh38, chr15:90,761,074, plus strand): 5'-CCAACCTTCCTATGATATTGATAATTTTGACATAGATGACTTTGATGATGATGATGACTG[G>A]GAAGACATAATGCATAATTTAGCAGCCAGCAAATCTTCCACAGCTGCCTATCAACCCATC-3'